The following is an entry in ClinVar:

NM_017763.6(RNF43):c.170C>G (p.Pro57Arg)

Gene: RNF43 (ring finger protein 43; minus strand). Cytogenetic location: 17q22.
Variant type: single nucleotide variant.
Coding change: c.170C>G on transcript NM_017763.6 (MANE Select); coding-DNA position 170, C replaced by G.
Protein change: p.Pro57Arg; replaces proline 57 with arginine.
Molecular consequence: missense variant.
Genome position (GRCh38, 1-based): chr17:58,415,408, G>C on the plus strand (C>G on the coding strand, the complement: RNF43 is on the minus strand). VCF-style: chr17-58415408-G-C. GRCh37 (hg19) VCF-style: chr17-56492769-G-C.
Other names: c.170C>G, p.Pro57Arg (NM_001305544.3); short protein forms P57R.
Identifiers: ClinVar variation 3789950 (VCV003789950.1).
Genomic context (GRCh38, chr17:58,415,408, plus strand): 5'-GGAGTTATTTCAGCAACACCAGCAAACACACCTTCCAAAGTGAGATTCAGTTTTCCTGTG[G>C]GGTCCATTTTCAAGGGGATCACTCTGATAATAGCTTTCTGTTCTGCTGATCTTTCAGACT-3'
Protein context (NP_060233.3, residues 47-67): IIRVIPLKMD[Pro57Arg]TGKLNLTLEG

ClinVar aggregate classification (germline): Uncertain significance (1 of 4 stars; one submission).

gnomAD v4.1: 1 of 1,614,076 alleles (0.000062%); highest among the groups gnomAD compares: Non-Finnish European, 0.000085%; no homozygotes.

Submission:

Ambry Genetics
Classification: Uncertain significance. Last evaluated: 2025-02-19. Review status: criteria provided, single submitter. Criteria: Ambry Variant Classification Scheme 2023. Collection method: clinical testing. Allele origin: germline.
Comment: The p.P57R variant (also known as c.170C>G), located in coding exon 1 of the RNF43 gene, results from a C to G substitution at nucleotide position 170. The proline at codon 57 is replaced by arginine, an amino acid with dissimilar properties. This amino acid position is conserved. In addition, the in silico prediction for this alteration is inconclusive. Based on the available evidence, the clinical significance of this variant remains unclear.